The following is an entry in ClinVar:

ClinVar aggregate classification (germline): Uncertain significance (1 of 4 stars; one submission).

Conditions:
Dyskeratosis congenita. Identifiers: Orphanet 1775, MedGen C0265965, MONDO:0015780.

Submission:

Labcorp Genetics (formerly Invitae), Labcorp
Classification: Uncertain significance for Dyskeratosis congenita. Last evaluated: 2024-09-14. Review status: criteria provided, single submitter. Criteria: Invitae Variant Classification Sherloc (09022015). Collection method: clinical testing. Allele origin: germline.
Comment: This sequence change replaces proline, which is neutral and non-polar, with serine, which is neutral and polar, at codon 75 of the TINF2 protein (p.Pro75Ser). This variant is not present in population databases (gnomAD no frequency). This variant has not been reported in the literature in individuals affected with TINF2-related conditions. An algorithm developed to predict the effect of missense changes on protein structure and function outputs the following: PolyPhen-2: "Possibly Damaging". The serine amino acid residue is found in multiple mammalian species, which suggests that this missense change does not adversely affect protein function. In summary, the available evidence is currently insufficient to determine the role of this variant in disease. Therefore, it has been classified as a Variant of Uncertain Significance.

NM_001099274.3(TINF2):c.223C>T (p.Pro75Ser)

Gene: TINF2 (TERF1 interacting nuclear factor 2; minus strand). Cytogenetic location: 14q12.
Variant type: single nucleotide variant.
Coding change: c.223C>T on transcript NM_001099274.3 (MANE Select); coding-DNA position 223, C replaced by T.
Protein change: p.Pro75Ser; replaces proline 75 with serine.
Molecular consequence: missense variant. On other transcripts: intron variant (1).
Genome position (GRCh38, 1-based): chr14:24,241,964, G>A on the plus strand (C>T on the coding strand, the complement: TINF2 is on the minus strand). VCF-style: chr14-24241964-G-A. GRCh37 (hg19) VCF-style: chr14-24711170-G-A.
Other names: c.223C>T, p.Pro75Ser (NM_012461.3); c.192+177C>T (NM_001363668.2); short protein forms P75S.
Identifiers: ClinVar variation 3709985 (VCV003709985.2).